The following is an entry in ClinVar:

NM_004006.3(DMD):c.5888T>C (p.Phe1963Ser)

Gene: DMD (dystrophin; minus strand). Cytogenetic location: Xp21.1.
Variant type: single nucleotide variant.
Coding change: c.5888T>C on transcript NM_004006.3 (MANE Select); coding-DNA position 5888, T replaced by C.
Protein change: p.Phe1963Ser; replaces phenylalanine 1963 with serine.
Molecular consequence: missense variant.
Genome position (GRCh38, 1-based): chrX:32,342,134, A>G on the plus strand (T>C on the coding strand, the complement: DMD is on the minus strand). VCF-style: chrX-32342134-A-G. GRCh37 (hg19) VCF-style: chrX-32360251-A-G.
Other names: c.5864T>C, p.Phe1955Ser (NM_000109.4); c.5876T>C, p.Phe1959Ser (NM_004009.3); c.5519T>C, p.Phe1840Ser (NM_004010.3); c.1865T>C, p.Phe622Ser (NM_004011.4); c.1856T>C, p.Phe619Ser (NM_004012.4); short protein forms F1963S, F619S, F1840S, F1959S, F1955S, F622S.
Identifiers: ClinVar variation 2094652 (VCV002094652.1), dbSNP rs2097746769, ClinGen allele CA412664778.

ClinVar aggregate classification (germline): Uncertain significance (1 of 4 stars; one submission).

Conditions:
Duchenne muscular dystrophy (DMD). Also called: MUSCULAR DYSTROPHY, PSEUDOHYPERTROPHIC PROGRESSIVE, DUCHENNE TYPE; Duchenne Muscular Dystrophy (DMD). Identifiers: Orphanet 98896, MedGen C0013264, MONDO:0010679, OMIM 310200.

Allele frequency attached by ClinVar (database versions not stated): gnomAD exomes below 0.00001; TOPMed below 0.00001.
gnomAD v4.1: 1 of 1,210,251 alleles (0.000083%); highest among the groups gnomAD compares: African/African-American, 0.0017%; no homozygotes.

Submission:

Labcorp Genetics (formerly Invitae), Labcorp
Classification: Uncertain significance for Duchenne muscular dystrophy. Last evaluated: 2022-02-08. Review status: criteria provided, single submitter. Criteria: Invitae Variant Classification Sherloc (09022015). Collection method: clinical testing. Allele origin: germline.
Comment: This sequence change replaces phenylalanine, which is neutral and non-polar, with serine, which is neutral and polar, at codon 1963 of the DMD protein (p.Phe1963Ser). This variant is not present in population databases (gnomAD no frequency). This variant has not been reported in the literature in individuals affected with DMD-related conditions. Algorithms developed to predict the effect of missense changes on protein structure and function are either unavailable or do not agree on the potential impact of this missense change (SIFT: "Deleterious"; PolyPhen-2: "Possibly Damaging"; Align-GVGD: "Class C0"). In summary, the available evidence is currently insufficient to determine the role of this variant in disease. Therefore, it has been classified as a Variant of Uncertain Significance.